The following is an entry in ClinVar:

NM_002471.4(MYH6):c.1304A>G (p.Lys435Arg)

Gene: MYH6 (myosin heavy chain 6; minus strand). Cytogenetic location: 14q11.2.
Variant type: single nucleotide variant.
Coding change: c.1304A>G on transcript NM_002471.4 (MANE Select); coding-DNA position 1304, A replaced by G.
Protein change: p.Lys435Arg; replaces lysine 435 with arginine.
Molecular consequence: missense variant.
Genome position (GRCh38, 1-based): chr14:23,400,815, T>C on the plus strand (A>G on the coding strand, the complement: MYH6 is on the minus strand). VCF-style: chr14-23400815-T-C. GRCh37 (hg19) VCF-style: chr14-23870024-T-C.
Other names: short protein forms K435R.
Identifiers: ClinVar variation 3400891 (VCV003400891.2).

ClinVar aggregate classification (germline): Uncertain significance. Review status: criteria provided, multiple submitters, no conflicts (2 of 4 stars). 2 submissions from 2 submitters: Uncertain significance (2). Last evaluated 2025-12-16.

Conditions:
Cardiovascular phenotype. Identifiers: MedGen CN230736.
Hypertrophic cardiomyopathy 14. Identifiers: MedGen C2750467, MONDO:0013197, OMIM 613251.

gnomAD v4.1: 8 of 1,614,194 alleles (0.0005%); highest among the groups gnomAD compares: Non-Finnish European, 0.00068%; no homozygotes.

Submissions (2):

Labcorp Genetics (formerly Invitae), Labcorp
Classification: Uncertain significance for Hypertrophic cardiomyopathy 14. Last evaluated: 2025-12-16. Review status: criteria provided, single submitter. Criteria: Invitae Variant Classification Sherloc (09022015). Collection method: clinical testing. Allele origin: germline.
Comment: This sequence change replaces lysine, which is basic and polar, with arginine, which is basic and polar, at codon 435 of the MYH6 protein (p.Lys435Arg). This variant is not present in population databases (gnomAD no frequency). This variant has not been reported in the literature in individuals affected with MYH6-related conditions. ClinVar contains an entry for this variant (Variation ID: 3400891). Invitae Evidence Modeling of protein sequence and biophysical properties (such as structural, functional, and spatial information, amino acid conservation, physicochemical variation, residue mobility, and thermodynamic stability) indicates that this missense variant is not expected to disrupt MYH6 protein function with a negative predictive value of 80%. In summary, the available evidence is currently insufficient to determine the role of this variant in disease. Therefore, it has been classified as a Variant of Uncertain Significance.

Ambry Genetics
Classification: Uncertain significance for Cardiovascular phenotype. Last evaluated: 2024-10-28. Review status: criteria provided, single submitter. Criteria: Ambry Variant Classification Scheme 2023. Collection method: clinical testing. Allele origin: germline.
Comment: The p.K435R variant (also known as c.1304A>G), located in coding exon 11 of the MYH6 gene, results from an A to G substitution at nucleotide position 1304. The lysine at codon 435 is replaced by arginine, an amino acid with highly similar properties. This amino acid position is conserved. In addition, the in silico prediction for this alteration is inconclusive. Based on the available evidence, the clinical significance of this variant remains unclear.